The following is an entry in ClinVar:

NM_004006.3(DMD):c.833T>A (p.Ile278Asn)

Gene: DMD (dystrophin; minus strand). Cytogenetic location: Xp21.1.
Variant type: single nucleotide variant.
Coding change: c.833T>A on transcript NM_004006.3 (MANE Select); coding-DNA position 833, T replaced by A.
Protein change: p.Ile278Asn; replaces isoleucine 278 with asparagine.
Molecular consequence: missense variant.
Genome position (GRCh38, 1-based): chrX:32,697,997, A>T on the plus strand (T>A on the coding strand, the complement: DMD is on the minus strand). VCF-style: chrX-32697997-A-T. GRCh37 (hg19) VCF-style: chrX-32716114-A-T.
Other names: c.809T>A, p.Ile270Asn (NM_000109.4); c.821T>A, p.Ile274Asn (NM_004009.3); c.464T>A, p.Ile155Asn (NM_004010.3); short protein forms I278N, I155N, I274N, I270N.
Identifiers: ClinVar variation 2730660 (VCV002730660.4), dbSNP rs888736074, ClinGen allele CA328553680.

ClinVar aggregate classification (germline): Uncertain significance. Review status: criteria provided, multiple submitters, no conflicts (2 of 4 stars). 2 submissions from 2 submitters: Uncertain significance (2). Last evaluated 2023-11-22.

Conditions:
Duchenne muscular dystrophy (DMD). Also called: MUSCULAR DYSTROPHY, PSEUDOHYPERTROPHIC PROGRESSIVE, DUCHENNE TYPE; Duchenne Muscular Dystrophy (DMD). Identifiers: Orphanet 98896, MedGen C0013264, MONDO:0010679, OMIM 310200.
Cardiovascular phenotype. Identifiers: MedGen CN230736.

Allele frequency attached by ClinVar (database versions not stated): gnomAD exomes below 0.00001; TOPMed 0.00002.

Submissions (2):

Ambry Genetics
Classification: Uncertain significance for Cardiovascular phenotype. Last evaluated: 2023-11-22. Review status: criteria provided, single submitter. Criteria: Ambry Variant Classification Scheme 2023. Collection method: clinical testing. Allele origin: germline.
Comment: The p.I278N variant (also known as c.833T>A), located in coding exon 9 of the DMD gene, results from a T to A substitution at nucleotide position 833. The isoleucine at codon 278 is replaced by asparagine, an amino acid with dissimilar properties. This amino acid position is highly conserved in available vertebrate species. In addition, the in silico prediction for this alteration is inconclusive. Since supporting evidence is limited at this time, the clinical significance of this alteration remains unclear.

Labcorp Genetics (formerly Invitae), Labcorp
Classification: Uncertain significance for Duchenne muscular dystrophy. Last evaluated: 2023-10-27. Review status: criteria provided, single submitter. Criteria: Invitae Variant Classification Sherloc (09022015). Collection method: clinical testing. Allele origin: germline.
Comment: This sequence change replaces isoleucine, which is neutral and non-polar, with asparagine, which is neutral and polar, at codon 278 of the DMD protein (p.Ile278Asn). This variant is not present in population databases (gnomAD no frequency). This variant has not been reported in the literature in individuals affected with DMD-related conditions. An algorithm developed to predict the effect of missense changes on protein structure and function (PolyPhen-2) suggests that this variant is likely to be disruptive. In summary, the available evidence is currently insufficient to determine the role of this variant in disease. Therefore, it has been classified as a Variant of Uncertain Significance.